The following is an entry in ClinVar:

ClinVar aggregate classification (germline): Uncertain significance (1 of 4 stars; one submission).

Conditions:
Cardiovascular phenotype. Identifiers: MedGen CN230736.

gnomAD v4.1: 4 of 1,612,370 alleles (0.00025%); highest among the groups gnomAD compares: Non-Finnish European, 0.00025%; no homozygotes.

Submission:

Ambry Genetics
Classification: Uncertain significance for Cardiovascular phenotype. Last evaluated: 2026-06-09. Review status: criteria provided, single submitter. Criteria: Ambry Variant Classification Scheme 2023. Collection method: clinical testing. Allele origin: germline.
Comment: The p.V370M variant (also known as c.1108G>A), located in coding exon 2 of the JPH2 gene, results from a G to A substitution at nucleotide position 1108. The valine at codon 370 is replaced by methionine, an amino acid with highly similar properties. This amino acid position is conserved. In addition, this alteration is predicted to be tolerated by in silico analysis. Based on the available evidence, the clinical significance of this variant remains unclear.

NM_020433.5(JPH2):c.1108G>A (p.Val370Met)

Gene: JPH2 (junctophilin 2; minus strand). Cytogenetic location: 20q13.12.
Variant type: single nucleotide variant.
Coding change: c.1108G>A on transcript NM_020433.5 (MANE Select); coding-DNA position 1108, G replaced by A.
Protein change: p.Val370Met; replaces valine 370 with methionine.
Molecular consequence: missense variant.
Genome position (GRCh38, 1-based): chr20:44,159,679, C>T on the plus strand (G>A on the coding strand, the complement: JPH2 is on the minus strand). VCF-style: chr20-44159679-C-T. GRCh37 (hg19) VCF-style: chr20-42788319-C-T.
Other names: short protein forms V370M.
Identifiers: ClinVar variation 4858570 (VCV004858570.1).